The following is an entry in ClinVar:

NM_004736.4(XPR1):c.182C>G (p.Thr61Ser)

Gene: XPR1 (xenotropic and polytropic retrovirus receptor 1; plus strand). Cytogenetic location: 1q25.3.
Variant type: single nucleotide variant.
Coding change: c.182C>G on transcript NM_004736.4 (MANE Select); coding-DNA position 182, C replaced by G.
Protein change: p.Thr61Ser; replaces threonine 61 with serine.
Molecular consequence: missense variant. On other transcripts: non-coding transcript variant (1).
Genome position (GRCh38, 1-based): chr1:180,787,813, C>G. VCF-style: chr1-180787813-C-G. GRCh37 (hg19) VCF-style: chr1-180756949-C-G.
Other names: c.182C>G, p.Thr61Ser (NM_001135669.2, NM_001328662.2); short protein forms T61S.
Identifiers: ClinVar variation 1718169 (VCV001718169.5), dbSNP rs2525766019, ClinGen allele CA343842116.

ClinVar aggregate classification (germline): Uncertain significance (1 of 4 stars; one submission).

Submission:

Labcorp Genetics (formerly Invitae), Labcorp
Classification: Uncertain significance. Last evaluated: 2022-11-21. Review status: criteria provided, single submitter. Criteria: Invitae Variant Classification Sherloc (09022015). Collection method: clinical testing. Allele origin: germline.
Comment: In summary, the available evidence is currently insufficient to determine the role of this variant in disease. Therefore, it has been classified as a Variant of Uncertain Significance. Advanced modeling of protein sequence and biophysical properties (such as structural, functional, and spatial information, amino acid conservation, physicochemical variation, residue mobility, and thermodynamic stability) performed at Invitae indicates that this missense variant is not expected to disrupt XPR1 protein function. This variant has not been reported in the literature in individuals affected with XPR1-related conditions. This variant is not present in population databases (gnomAD no frequency). This sequence change replaces threonine, which is neutral and polar, with serine, which is neutral and polar, at codon 61 of the XPR1 protein (p.Thr61Ser).